The following is an entry in ClinVar:

ClinVar aggregate classification (germline): Likely pathogenic (1 of 4 stars; one submission).

Conditions:
Congenital factor V deficiency. Also called: LABILE FACTOR DEFICIENCY; OWREN PARAHEMOPHILIA; PARAHEMOPHILIA; Hereditary factor V deficiency disease. Identifiers: Orphanet 326, MedGen C0015499, MONDO:0009210, OMIM 227400.

gnomAD v4.1: 2 of 1,613,952 alleles (0.00012%); highest among the groups gnomAD compares: Non-Finnish European, 0.00017%; no homozygotes.

Submission:

Labcorp Genetics (formerly Invitae), Labcorp
Classification: Likely pathogenic for Congenital factor V deficiency. Last evaluated: 2023-12-12. Review status: criteria provided, single submitter. Criteria: Invitae Variant Classification Sherloc (09022015). Collection method: clinical testing. Allele origin: germline.
Comment: This sequence change replaces alanine, which is neutral and non-polar, with valine, which is neutral and non-polar, at codon 540 of the F5 protein (p.Ala540Val). This variant is not present in population databases (gnomAD no frequency). This missense change has been observed in individuals with thrombophilia due to activated protein C resistance (PMID: 27090446). It has also been observed to segregate with disease in related individuals. This variant is also known as p.Ala512Val; FV_Bonn. Advanced modeling of protein sequence and biophysical properties (such as structural, functional, and spatial information, amino acid conservation, physicochemical variation, residue mobility, and thermodynamic stability) performed at Invitae indicates that this missense variant is expected to disrupt F5 protein function with a positive predictive value of 80%. Experimental studies have shown that this missense change affects F5 function (PMID: 27090446). In summary, the currently available evidence indicates that the variant is pathogenic, but additional data are needed to prove that conclusively. Therefore, this variant has been classified as Likely Pathogenic.

Literature cited by the submitters: PubMed 27090446.

NM_000130.5(F5):c.1619C>T (p.Ala540Val)

Gene: F5 (coagulation factor V; minus strand). Cytogenetic location: 1q24.2.
Variant type: single nucleotide variant.
Coding change: c.1619C>T on transcript NM_000130.5 (MANE Select); coding-DNA position 1619, C replaced by T.
Protein change: p.Ala540Val; replaces alanine 540 with valine.
Molecular consequence: missense variant.
Genome position (GRCh38, 1-based): chr1:169,546,585, G>A on the plus strand (C>T on the coding strand, the complement: F5 is on the minus strand). VCF-style: chr1-169546585-G-A. GRCh37 (hg19) VCF-style: chr1-169515823-G-A.
Other names: short protein forms A540V.
Identifiers: ClinVar variation 2734023 (VCV002734023.3), dbSNP rs761915766, ClinGen allele CA343124062.